The following is an entry in ClinVar:

ClinVar aggregate classification (germline): Likely pathogenic (1 of 4 stars; one submission).

Conditions:
Inborn genetic diseases. Identifiers: MedGen C0950123, MeSH D030342.

Submission:

Ambry Genetics
Classification: Likely pathogenic for Inborn genetic diseases. Last evaluated: 2022-09-23. Review status: criteria provided, single submitter. Criteria: Ambry Variant Classification Scheme 2023. Collection method: clinical testing. Allele origin: germline.
Comment: The c.3503_3504delAG (p.Q1168Rfs*26) alteration, located in exon 13 (coding exon 13) of the GLI2 gene, consists of a deletion of 2 nucleotides from position 3503 to 3504, causing a translational frameshift with a predicted alternate stop codon after 26 amino acids. This alteration occurs at the 3' terminus of the GLI2 gene, is not expected to trigger nonsense-mediated mRNA decay, and affects the last 419 amino acids of the protein. Premature stop codons are typically deleterious in nature and the affected region is critical for protein function (Ambry internal data). This variant was not reported in population-based cohorts in the Genome Aggregation Database (gnomAD). Based on the available evidence, this alteration is classified as likely pathogenic.

NM_001374353.1(GLI2):c.3452_3453del (p.Gln1151fs)

Gene: GLI2 (GLI family zinc finger 2; plus strand). Cytogenetic location: 2q14.2.
Variant type: Deletion.
Coding change: c.3452_3453del on transcript NM_001374353.1 (MANE Select); coding-DNA positions 3452 to 3453, 2 bases deleted (AG; older notation c.3452_3453delAG).
Protein change: p.Gln1151fs; shifts the reading frame from glutamine 1151.
Molecular consequence: frameshift variant.
Genome position (GRCh38, 1-based): chr2:120,989,417-120,989,418, AG deleted. VCF-style (leftmost placement, unchanged base first): chr2-120989416-CAG-C. GRCh37 (hg19) VCF-style: chr2-121746992-CAG-C.
Other names: c.3503_3504del, p.Gln1168fs (NM_001371271.1, NM_005270.5); c.3077_3078del, p.Gln1026fs (NM_001374354.1); short protein forms Q1026fs, Q1151fs, Q1168fs.
Identifiers: ClinVar variation 2308551 (VCV002308551.2), dbSNP rs2467778285, ClinGen allele CA2580063765.